The following is an entry in ClinVar:

ClinVar aggregate classification (germline): Conflicting classifications of pathogenicity. Review status: criteria provided, conflicting classifications (1 of 4 stars). 2 submissions from 2 submitters: Likely pathogenic (1); Uncertain significance (1). Last evaluated 2022-08-12.

Conditions:
Anemia, nonspherocytic hemolytic, due to G6PD deficiency (CNSHA1). Also called: ANEMIA, CONGENITAL, NONSPHEROCYTIC HEMOLYTIC, 1; Hemolytic anemia due to G6PD deficiency; Class I glucose-6-phosphate dehydrogenase deficiency; Favism, susceptibility to. Identifiers: Orphanet 466026, MedGen C2720289, MONDO:0010480, OMIM 300908.

Submissions (2):

Dunham Lab, University of Washington
Classification: Likely pathogenic for Anemia, nonspherocytic hemolytic, due to G6PD deficiency. Last evaluated: 2022-08-12. Review status: criteria provided, single submitter. Criteria: Bayesian ACMG Guidelines, 2018. Collection method: curation. Allele origin: unknown. Affected: yes.
Comment: Decreased actvity in red blood cells (37-77%) (PS3). Not found in gnomAD (PM2). Not found in gnomAD (PM2). Post_P 0.949 (odds of pathogenicity 168.4, Prior_P 0.1).

Genomic Medicine Center of Excellence, King Faisal Specialist Hospital and Research Centre
Classification: Uncertain significance for Anemia, nonspherocytic hemolytic, due to G6PD deficiency. Last evaluated: 2021-04-28. Review status: criteria provided, single submitter. Criteria: ACMG Guidelines, 2015. Collection method: research. Allele origin: germline.

Literature cited by the submitters: PubMed 34620237 (cited by Dunham Lab, University of Washington).

NM_001360016.2(G6PD):c.1441C>G (p.Pro481Ala)

Gene: G6PD (glucose-6-phosphate dehydrogenase; minus strand). Cytogenetic location: Xq28.
Variant type: single nucleotide variant.
Coding change: c.1441C>G on transcript NM_001360016.2 (MANE Select); coding-DNA position 1441, C replaced by G.
Protein change: p.Pro481Ala; replaces proline 481 with alanine.
Molecular consequence: missense variant.
Genome position (GRCh38, 1-based): chrX:154,532,204, G>C on the plus strand (C>G on the coding strand, the complement: G6PD is on the minus strand). VCF-style: chrX-154532204-G-C. GRCh37 (hg19) VCF-style: chrX-153760419-G-C.
Other names: c.1531C>G, p.Pro511Ala (NM_000402.4); c.1441C>G, p.Pro481Ala (NM_001042351.3); short protein forms P481A, P511A.
Identifiers: ClinVar variation 1098494 (VCV001098494.4), dbSNP rs202122673, ClinGen allele CA415232335.